The following is an entry in ClinVar:

NM_025179.4(PLXNA2):c.2315T>C (p.Met772Thr)

Gene: PLXNA2 (plexin A2; minus strand). Cytogenetic location: 1q32.2.
Variant type: single nucleotide variant.
Coding change: c.2315T>C on transcript NM_025179.4 (MANE Select); coding-DNA position 2315, T replaced by C.
Protein change: p.Met772Thr; replaces methionine 772 with threonine.
Molecular consequence: missense variant.
Genome position (GRCh38, 1-based): chr1:208,082,492, A>G on the plus strand (T>C on the coding strand, the complement: PLXNA2 is on the minus strand). VCF-style: chr1-208082492-A-G. GRCh37 (hg19) VCF-style: chr1-208255837-A-G.
Other names: short protein forms M772T.
Identifiers: ClinVar variation 3348470 (VCV003348470.2).

ClinVar aggregate classification (germline): Uncertain significance. Review status: criteria provided, single submitter (1 of 4 stars). 2 submissions from 2 submitters: Uncertain significance (1). 1 of the submissions does not count toward it. Last evaluated 2025-02-24.

Conditions:
PLXNA2-related disorder. Also called: PLXNA2-related condition.

gnomAD v4.1: 1 of 1,613,906 alleles (0.000062%); highest among the groups gnomAD compares: Admixed American, 0.0017%; no homozygotes.

Submissions (2):

Ambry Genetics
Classification: Uncertain significance. Last evaluated: 2025-02-24. Review status: criteria provided, single submitter. Criteria: Ambry Variant Classification Scheme 2023. Collection method: clinical testing. Allele origin: germline.

PreventionGenetics, part of Exact Sciences
Classification: Uncertain significance for PLXNA2-related condition. Last evaluated: 2024-06-10. Review status: no assertion criteria provided. Collection method: clinical testing. Allele origin: germline. Not counted in ClinVar's aggregate classification.
Comment: The PLXNA2 c.2315T>C variant is predicted to result in the amino acid substitution p.Met772Thr. To our knowledge, this variant has not been reported in the literature or in a large population database, indicating this variant is rare. At this time, the clinical significance of this variant is uncertain due to the absence of conclusive functional and genetic evidence.